The following is an entry in ClinVar:

NM_001048174.2(MUTYH):c.1435-84_1512del

Gene: MUTYH (mutY DNA glycosylase; minus strand). Cytogenetic location: 1p34.1.
Variant type: Deletion.
Coding change: c.1435-84_1512del on transcript NM_001048174.2 (MANE Select); 84 bases into the intron before coding-DNA position 1435 through coding-DNA position 1512, 162 bases deleted.
Molecular consequence: splice acceptor variant.
Genome position (GRCh38, 1-based): chr1:45,329,360-45,329,521, 162 bases deleted. GRCh37 (hg19): chr1:45,795,034-45,795,195.
Other names: c.1090-84_1167del (NM_001350651.2, NM_001350650.2); c.1159-84_1236del (NM_001293192.2, NM_001293196.2); c.1435-84_1512del (NM_001048171.2, NM_001048173.2, NM_001293195.2); c.1480-84_1557del (NM_001293190.2); c.1510-84_1587del (NM_012222.3); c.1519-84_1596del (NM_001128425.2); c.1438-84_1515del (NM_001048172.2); c.1468-84_1545del (NM_001293191.2).
Identifiers: ClinVar variation 2088231 (VCV002088231.4), dbSNP rs2523737800, ClinGen allele CA2580062906.

ClinVar aggregate classification (germline): Uncertain significance (1 of 4 stars; one submission).

Conditions:
Familial adenomatous polyposis 2. Also called: MUTYH Polyposis; COLORECTAL ADENOMATOUS POLYPOSIS, AUTOSOMAL RECESSIVE; ADENOMAS, MULTIPLE COLORECTAL, AUTOSOMAL RECESSIVE; MUTYH-associated polyposis; MYH-associated polyposis; MUTYH-related attenuated familial adenomatous polyposis. Identifiers: Orphanet 220460, Orphanet 247798, MedGen C3272841, MONDO:0012041, OMIM 608456.

Submission:

Labcorp Genetics (formerly Invitae), Labcorp
Classification: Uncertain significance for Familial adenomatous polyposis 2. Last evaluated: 2022-10-04. Review status: criteria provided, single submitter. Criteria: Invitae Variant Classification Sherloc (09022015). Collection method: clinical testing. Allele origin: germline.
Comment: In summary, the available evidence is currently insufficient to determine the role of this variant in disease. Therefore, it has been classified as a Variant of Uncertain Significance. Variants that disrupt the consensus splice site are a relatively common cause of aberrant splicing (PMID: 17576681, 9536098). Algorithms developed to predict the effect of sequence changes on RNA splicing suggest that this variant may disrupt the consensus splice site. This variant has not been reported in the literature in individuals affected with MUTYH-related conditions. This variant is not present in population databases (gnomAD no frequency). This variant results in the deletion of part of exon 16 (c.1519-84_1596del) of the MUTYH gene. While this variant is not anticipated to result in nonsense mediated decay, it likely alters RNA splicing and results in a disrupted protein product.

Literature cited by the submitters: PubMed 17576681; PubMed 9536098.